The following is an entry in ClinVar:

NM_182914.3(SYNE2):c.7183G>A (p.Ala2395Thr)

Gene: SYNE2 (spectrin repeat containing nuclear envelope protein 2; plus strand). Cytogenetic location: 14q23.2.
Variant type: single nucleotide variant.
Coding change: c.7183G>A on transcript NM_182914.3 (MANE Select); coding-DNA position 7183, G replaced by A.
Protein change: p.Ala2395Thr; replaces alanine 2395 with threonine.
Molecular consequence: missense variant.
Genome position (GRCh38, 1-based): chr14:64,031,319, G>A. VCF-style: chr14-64031319-G-A. GRCh37 (hg19) VCF-style: chr14-64498037-G-A.
Other names: c.7183G>A, p.Ala2395Thr (NM_015180.6); short protein forms A2395T.
Identifiers: ClinVar variation 130511 (VCV000130511.23), dbSNP rs4027405, ClinGen allele CA155606.

ClinVar aggregate classification (germline): Benign. Review status: criteria provided, multiple submitters, no conflicts (2 of 4 stars). 6 submissions from 6 submitters: Benign (6). Last evaluated 2026-02-04.

Conditions:
Emery-Dreifuss muscular dystrophy 5, autosomal dominant (EDMD5). Also called: EMERY-DREIFUSS MUSCULAR DYSTROPHY 5. Identifiers: Orphanet 261, MedGen C2751805, MONDO:0013072, OMIM 612999.

Allele frequency attached by ClinVar (database versions not stated): 1000 Genomes Project 30x 0.83635; 1000 Genomes Project 0.83726; TOPMed 0.87027; gnomAD 0.87604 and 0.87610; ESP Exome Variant Server 0.87807; ExAC 0.89238; gnomAD exomes 0.89503 and 0.91641.
gnomAD v4.1: 1,471,661 of 1,613,968 alleles (91%); highest among the groups gnomAD compares: Admixed American, 93%; 672,553 homozygotes.

Submissions (6):

Labcorp Genetics (formerly Invitae), Labcorp
Classification: Benign for Emery-Dreifuss muscular dystrophy 5, autosomal dominant. Last evaluated: 2026-02-04. Review status: criteria provided, single submitter. Criteria: Invitae Variant Classification Sherloc (09022015). Collection method: clinical testing. Allele origin: germline.

Genome-Nilou Lab
Classification: Benign for Emery-Dreifuss muscular dystrophy 5, autosomal dominant. Last evaluated: 2021-07-15. Review status: criteria provided, single submitter. Criteria: ACMG Guidelines, 2015. Collection method: clinical testing. Allele origin: germline. Affected: no.

GeneDx
Classification: Benign. Last evaluated: 2018-07-09. Review status: criteria provided, single submitter. Criteria: GeneDx Variant Classification Process June 2021. Collection method: clinical testing. Allele origin: germline. Affected: yes.

Illumina Laboratory Services, Illumina
Classification: Benign for Emery-Dreifuss muscular dystrophy 5, autosomal dominant. Last evaluated: 2018-01-13. Review status: criteria provided, single submitter. Criteria: ICSL Variant Classification Criteria 13 December 2019. Collection method: clinical testing. Allele origin: germline.
Comment: This variant was observed in the ICSL laboratory as part of a predisposition screen in an ostensibly healthy population. It had not been previously curated by ICSL or reported in the Human Gene Mutation Database (HGMD: prior to June 1st, 2018), and was therefore a candidate for classification through an automated scoring system. Utilizing variant allele frequency, disease prevalence and penetrance estimates, and inheritance mode, an automated score was calculated to assess if this variant is too frequent to cause the disease. Based on the score and internal cut-off values, a variant classified as benign is not then subjected to further curation. The score for this variant resulted in a classification of benign for this disease.

Genetic Services Laboratory, University of Chicago
Classification: Benign for AllHighlyPenetrant. Last evaluated: 2013-08-15. Review status: criteria provided, single submitter. Criteria: ACMG Guidelines, 2007. Collection method: clinical testing. Allele origin: germline. Inheritance: Autosomal dominant inheritance.

Breakthrough Genomics
Classification: Benign. Review status: criteria provided, single submitter. Criteria: ACMG Guidelines, 2015. Collection method: not provided. Allele origin: germline. Inheritance: Autosomal dominant inheritance. Affected: yes.